The following is an entry in ClinVar:

NM_000081.4(LYST):c.5820A>C (p.Glu1940Asp)

Gene: LYST (lysosomal trafficking regulator; minus strand). Cytogenetic location: 1q42.3.
Variant type: single nucleotide variant.
Coding change: c.5820A>C on transcript NM_000081.4 (MANE Select); coding-DNA position 5820, A replaced by C.
Protein change: p.Glu1940Asp; replaces glutamic acid 1940 with aspartic acid.
Molecular consequence: missense variant.
Genome position (GRCh38, 1-based): chr1:235,770,262, T>G on the plus strand (A>C on the coding strand, the complement: LYST is on the minus strand). VCF-style: chr1-235770262-T-G. GRCh37 (hg19) VCF-style: chr1-235933562-T-G.
Other names: p.Glu1940Asp; c.5820A>C, p.Glu1940Asp (NM_001301365.1); short protein forms E1940D.
Identifiers: ClinVar variation 3380776 (VCV003380776.1).

ClinVar aggregate classification (germline): Uncertain significance (1 of 4 stars; one submission).

Submission:

Mayo Clinic Laboratories, Mayo Clinic
Classification: Uncertain significance. Last evaluated: 2023-11-21. Review status: criteria provided, single submitter. Criteria: ACMG Guidelines, 2015. Collection method: clinical testing. Allele origin: germline. Observed: 1 variant allele.
Comment: BP4, PM2